The following is an entry in ClinVar:

ClinVar aggregate classification (germline): Pathogenic (1 of 4 stars; one submission).

Conditions:
Leber congenital amaurosis 9 (LCA9). Also called: LCA9 Leber Congenital Amaurosis; LCA 9; Amaurosis congenita of Leber, type 9. Identifiers: Orphanet 65, MedGen C1837873, MONDO:0012056, OMIM 608553.

Submission:

Labcorp Genetics (formerly Invitae), Labcorp
Classification: Pathogenic for Leber congenital amaurosis 9. Last evaluated: 2022-09-20. Review status: criteria provided, single submitter. Criteria: Invitae Variant Classification Sherloc (09022015). Collection method: clinical testing. Allele origin: germline.
Comment: For these reasons, this variant has been classified as Pathogenic. A similar copy number variant has been observed in individual(s) with Leber congenital amaurosis (PMID: 32165824). In at least one individual the data is consistent with being in trans (on the opposite chromosome) from a pathogenic variant. This variant is a gross deletion of the genomic region encompassing exon(s) 2 of the NMNAT1 gene, which includes the initiator codon. This deletion extends beyond the assayed region for this gene and therefore may encompass additional genes. It is expected to result in an absent or disrupted protein product. Loss-of-function variants in NMNAT1 are known to be pathogenic (PMID: 22842229).

Literature cited by the submitters: PubMed 32165824; PubMed 22842229.

NC_000001.10:g.(?_10032132)_(10032266_?)del

Gene: NMNAT1 (nicotinamide nucleotide adenylyltransferase 1; plus strand). Cytogenetic location: 1p36.22.
Variant type: Deletion.
Identifiers: ClinVar variation 2426774 (VCV002426774.4).